The following is an entry in ClinVar:

NM_007294.4(BRCA1):c.1762A>G (p.Ser588Gly)

Gene: BRCA1 (BRCA1 DNA repair associated; minus strand). Cytogenetic location: 17q21.31.
Variant type: single nucleotide variant.
Coding change: c.1762A>G on transcript NM_007294.4 (MANE Select); coding-DNA position 1762, A replaced by G.
Protein change: p.Ser588Gly; replaces serine 588 with glycine.
Molecular consequence: missense variant. On other transcripts: intron variant (137).
Genome position (GRCh38, 1-based): chr17:43,093,769, T>C on the plus strand (A>G on the coding strand, the complement: BRCA1 is on the minus strand). VCF-style: chr17-43093769-T-C. GRCh37 (hg19) VCF-style: chr17-41245786-T-C.
Other names: c.1636A>G, p.Ser546Gly (NM_001407649.1, NM_001407670.1, NM_001407671.1 and 11 more transcripts); c.646+975A>G (NM_001408458.1, NM_001408469.1, NM_001408453.1 and 11 more transcripts); c.283+975A>G (NM_001408512.1); c.406+975A>G (NM_001408510.1); c.1684A>G, p.Ser562Gly (NM_001407654.1, NM_001407655.1, NM_001407653.1 and 4 more transcripts); c.643+975A>G (NM_001408470.1, NM_001408464.1, NM_001408468.1 and 3 more transcripts); c.1621A>G, p.Ser541Gly (NM_007297.4, NM_001407692.1, NM_001407694.1 and 29 more transcripts); c.1762A>G, p.Ser588Gly (NM_007300.4, NM_001407652.1, NM_001407639.1 and 30 more transcripts); and 40 more; short protein forms S588G, S541G, S521G, S546G, S420G, S460G, S461G, S520G.
Identifiers: ClinVar variation 531235 (VCV000531235.16), dbSNP rs1169162396, ClinGen allele CA10598504.

ClinVar aggregate classification (germline): Conflicting classifications of pathogenicity. Review status: criteria provided, conflicting classifications (1 of 4 stars). 4 submissions from 4 submitters: Uncertain significance (2); Likely benign (2). Last evaluated 2023-11-25.

Conditions:
Hereditary breast ovarian cancer syndrome. Also called: Hereditary breast and ovarian cancer syndrome (HBOC); BRCA1- and BRCA2-Associated Hereditary Breast and Ovarian Cancer; Hereditary breast and ovarian cancer syndrome; Breast and ovarian cancer; Hereditary breast and ovarian cancer; Hereditary breast and/or ovarian cancer syndrome. Identifiers: Orphanet 145, MedGen C0677776, MeSH D061325, MONDO:0003582. Disease mechanism: loss of function.
Hereditary cancer-predisposing syndrome. Also called: Hereditary neoplastic syndrome; Neoplastic Syndromes, Hereditary; Tumor predisposition; Hereditary Cancer Syndrome. Identifiers: Orphanet 140162, MedGen C0027672, MeSH D009386, MONDO:0015356.

Allele frequency attached by ClinVar (database versions not stated): gnomAD exomes 0.00001 and 0.00002; gnomAD 0.00002; TOPMed 0.00002.
gnomAD v4.1: 7 of 1,613,852 alleles (0.00043%); highest among the groups gnomAD compares: Admixed American, 0.012%; no homozygotes.

Submissions (4):

Labcorp Genetics (formerly Invitae), Labcorp
Classification: Likely benign for Hereditary breast ovarian cancer syndrome. Last evaluated: 2023-11-25. Review status: criteria provided, single submitter. Criteria: Invitae Variant Classification Sherloc (09022015). Collection method: clinical testing. Allele origin: germline.

University of Washington Department of Laboratory Medicine, University of Washington
Classification: Likely benign for Hereditary cancer-predisposing syndrome. Last evaluated: 2023-03-23. Review status: criteria provided, single submitter. Criteria: Dines et al. (Genet Med. 2020). Collection method: curation. Allele origin: germline.
Comment: Missense variant in a coldspot region where missense variants are very unlikely to be pathogenic (PMID:31911673).

BRCA1 coldspot (exon 11 using historical exon numbering). Reclassification based on statistical prior probability

Quest Diagnostics Nichols Institute San Juan Capistrano
Classification: Uncertain significance. Last evaluated: 2022-12-22. Review status: criteria provided, single submitter. Criteria: Quest Diagnostics criteria. Collection method: clinical testing. Allele origin: unknown.
Comment: The variant has not been reported in the published literature. The frequency of this variant in the general population, 0.00014 (5/34540 chromosomes), is uninformative in assessment of its pathogenicity. Analysis of this variant using bioinformatics tools for the prediction of the effect of amino acid changes on protein structure and function yielded conflicting predictions that this variant is benign or damaging. Based on the available information, we are unable to determine the clinical significance of this variant.

Color Diagnostics, LLC DBA Color Health
Classification: Uncertain significance for Hereditary cancer-predisposing syndrome. Last evaluated: 2019-04-18. Review status: criteria provided, single submitter. Criteria: ACMG Guidelines, 2015. Collection method: clinical testing. Allele origin: germline.